The following is an entry in ClinVar:

ClinVar aggregate classification (germline): Uncertain significance. Review status: criteria provided, multiple submitters, no conflicts (2 of 4 stars). 2 submissions from 2 submitters: Uncertain significance (2). Last evaluated 2025-11-11.

Conditions:
Short stature and advanced bone age, with or without early-onset osteoarthritis and/or osteochondritis dissecans (SSOAOD). Identifiers: Orphanet 251262, MedGen C3665488, MONDO:0100462, OMIM 165800.

Allele frequency attached by ClinVar (database versions not stated): ESP Exome Variant Server 0.00042.
gnomAD v4.1: 520 of 1,613,578 alleles (0.032%); highest among the groups gnomAD compares: Non-Finnish European, 0.04%; no homozygotes.

Submissions (2):

Clinical Genomics Laboratory, Washington University in St. Louis
Classification: Uncertain significance for Short stature and advanced bone age, with or without early-onset osteoarthritis and/or osteochondritis dissecans. Last evaluated: 2025-11-11. Review status: criteria provided, single submitter. Criteria: ACMG Guidelines, 2015. Collection method: clinical testing. Allele origin: germline.
Comment: The ACAN c.7456G>A (p.Gly2486Arg) variant has been reported in at least six individuals affected with short stature with only three individuals with additional skeletal defects and is reported to segregate with disease in one family (Cavarzere P et al., PMID: 38087044; Liang H et al., PMID: 33471655; Plachy L et al., PMID: 30753492; Sentchordi-Montané L et al., PMID: 29464738; Tang W et al., PMID: 38613222; Wei M et al., PMID: 34605228; Wu S et al., PMID: 35620465). This variant has been reported in the ClinVar database as a germline variant of uncertain significance by one submitter. The highest population minor allele frequency in the population database genome aggregation database (v.2.1.1) is 0.026% in the European population which is consistent with the incidence of idiopathic short stature. Computational predictors are uncertain as to the impact of this variant on ACAN function. Due to conflicting information, and based on ACMG/AMP guidelines for variant interpretation (Richards S et al., PMID: 25741868), the clinical significance of this variant is uncertain at this time.

Labcorp Genetics (formerly Invitae), Labcorp
Classification: Uncertain significance. Last evaluated: 2025-10-21. Review status: criteria provided, single submitter. Criteria: Invitae Variant Classification Sherloc (09022015). Collection method: clinical testing. Allele origin: germline.
Comment: This sequence change replaces glycine, which is neutral and non-polar, with arginine, which is basic and polar, at codon 2448 of the ACAN protein (p.Gly2448Arg). This variant is present in population databases (rs202059945, gnomAD 0.03%). This missense change has been observed in individual(s) with clinical features of autosomal dominant short stature (PMID: 29464738, 38087044). ClinVar contains an entry for this variant (Variation ID: 1423902). An algorithm developed to predict the effect of missense changes on protein structure and function outputs the following: PolyPhen-2: "Probably Damaging". The arginine amino acid residue is found in multiple mammalian species, which suggests that this missense change does not adversely affect protein function. In summary, the available evidence is currently insufficient to determine the role of this variant in disease. Therefore, it has been classified as a Variant of Uncertain Significance.

Literature cited by the submitters: PubMed 29464738 (cited by Labcorp Genetics (formerly Invitae), Labcorp); PubMed 38087044 (cited by Labcorp Genetics (formerly Invitae), Labcorp).

NM_001369268.1(ACAN):c.7456G>A (p.Gly2486Arg)

Gene: ACAN (aggrecan; plus strand). Cytogenetic location: 15q26.1.
Variant type: single nucleotide variant.
Coding change: c.7456G>A on transcript NM_001369268.1 (MANE Select); coding-DNA position 7456, G replaced by A.
Protein change: p.Gly2486Arg; replaces glycine 2486 with arginine.
Molecular consequence: missense variant. On other transcripts: intron variant (1).
Genome position (GRCh38, 1-based): chr15:88,873,850, G>A. VCF-style: chr15-88873850-G-A. GRCh37 (hg19) VCF-style: chr15-89417081-G-A.
Other names: c.7342G>A, p.Gly2448Arg (NM_013227.4); c.7220-555G>A (NM_001135.4); short protein forms G2448R, G2486R.
Identifiers: ClinVar variation 1423902 (VCV001423902.7), dbSNP rs202059945, ClinGen allele CA7720698.